The following is an entry in ClinVar:

ClinVar aggregate classification (germline): Uncertain significance (1 of 4 stars; one submission).

Conditions:
Cardiovascular phenotype. Identifiers: MedGen CN230736.

Submission:

Ambry Genetics
Classification: Uncertain significance for Cardiovascular phenotype. Last evaluated: 2024-10-30. Review status: criteria provided, single submitter. Criteria: Ambry Variant Classification Scheme 2023. Collection method: clinical testing. Allele origin: germline.
Comment: The c.2113delG variant, located in coding exon 13 of the LDB3 gene, results from a deletion of one nucleotide at nucleotide position 2113, causing a translational frameshift with a predicted alternate stop codon (p.E705Rfs*68). This alteration occurs at the 3' terminus of theLDB3 gene, is not expected to trigger nonsense-mediated mRNAdecay and results in the elongation of the protein by 44 amino acids. This frameshift impacts the last 3% of the native protein. The exact functional effect of the altered amino acids is unknown. In addition, loss of function of LDB3 has not been established as a mechanism of disease. Based on the available evidence, the clinical significance of this variant remains unclear.

NM_007078.3(LDB3):c.2113del (p.Glu705fs)

Gene: LDB3 (LIM domain binding 3; plus strand). Cytogenetic location: 10q23.2.
Variant type: Deletion.
Coding change: c.2113del on transcript NM_007078.3 (MANE Select); coding-DNA position 2113, one base deleted (G; older notation c.2113delG).
Protein change: p.Glu705fs; shifts the reading frame from glutamic acid 705.
Molecular consequence: frameshift variant.
Genome position (GRCh38, 1-based): chr10:86,732,905, G deleted; the last of 2 consecutive G bases (chr10:86,732,904-86,732,905); deleting either gives the same sequence. VCF-style (leftmost placement, unchanged base first): chr10-86732903-TG-T. GRCh37 (hg19) VCF-style: chr10-88492660-TG-T.
Other names: c.1783del, p.Glu595fs (NM_001080114.2); c.2128del, p.Glu710fs (NM_001171610.2); c.1924del, p.Glu642fs (NM_001368064.1, NM_001368065.1); c.1972del, p.Glu658fs (NM_001368066.1); short protein forms E658fs, E710fs, E595fs, E642fs, E705fs.
Identifiers: ClinVar variation 3537677 (VCV003537677.1).